The following is an entry in ClinVar:

NM_001378454.1(ALMS1):c.4250G>A (p.Arg1417Gln)

Gene: ALMS1 (ALMS1 centrosome and basal body associated protein; plus strand). Cytogenetic location: 2p13.1.
Variant type: single nucleotide variant.
Coding change: c.4250G>A on transcript NM_001378454.1 (MANE Select); coding-DNA position 4250, G replaced by A.
Protein change: p.Arg1417Gln; replaces arginine 1417 with glutamine.
Molecular consequence: missense variant.
Genome position (GRCh38, 1-based): chr2:73,450,777, G>A. VCF-style: chr2-73450777-G-A. GRCh37 (hg19) VCF-style: chr2-73677904-G-A.
Other names: c.4253G>A, p.Arg1418Gln (NM_015120.4); short protein forms R1418Q, R1417Q.
Identifiers: ClinVar variation 550575 (VCV000550575.12), dbSNP rs771362238, ClinGen allele CA1713672.
Genomic context (GRCh38, chr2:73,450,777, plus strand): 5'-CAGGTAGTCATCTAACTGAAGAGGCTAAGAACGTTTCAGCGGTTCCTGGACCAGGTGACC[G>A]GAAGACTGGGATACCAACTTTACCCTCTACTTTCTACTCACACACAGAGAAGCCTGGTAG-3'
Protein context (NP_001365383.1, residues 1407-1427): NVSAVPGPGD[Arg1417Gln]KTGIPTLPST

ClinVar aggregate classification (germline): Conflicting classifications of pathogenicity. Review status: criteria provided, conflicting classifications (1 of 4 stars). 8 submissions from 8 submitters: Uncertain significance (4); Likely benign (3). 1 of the submissions does not count toward it. Last evaluated 2026-04-14.

Conditions:
Cardiovascular phenotype. Identifiers: MedGen CN230736.
Monogenic diabetes. Identifiers: Orphanet 183625, MedGen C3888631, MONDO:0015967.
Alstrom syndrome (ALMS). Identifiers: Orphanet 64, MedGen C0268425, MONDO:0008763, OMIM 203800.

Allele frequency attached by ClinVar (database versions not stated): ExAC 0.00010.

Submissions (8):

GeneDx
Classification: Uncertain significance. Last evaluated: 2026-04-14. Review status: criteria provided, single submitter. Criteria: GeneDx Variant Classification Process June 2021. Collection method: clinical testing. Allele origin: germline.
Comment: In silico analysis suggests that this missense variant does not alter protein structure/function; Has not been previously published as pathogenic or benign to our knowledge; This variant is associated with the following publications: (PMID: 34148947, 33669459, 25846608)

Women's Health and Genetics/Laboratory Corporation of America, LabCorp
Classification: Uncertain significance. Last evaluated: 2025-11-17. Review status: criteria provided, single submitter. Criteria: LabCorp Variant Classification Summary - May 2015. Collection method: clinical testing. Allele origin: germline.
Comment: Variant summary: ALMS1 c.4247G>A (p.Arg1416Gln) also known as (c.4253G>A, p.Arg1418Gln) results in a conservative amino acid change in the encoded protein sequence. Algorithms developed to predict the effect of missense changes on protein structure and function all suggest that this variant is likely to be tolerated. The frequency data for this variant in gnomAD is considered unreliable, as metrics indicate poor data quality at this position. To our knowledge, no occurrence of c.4247G>A in individuals affected with ALMS1-related conditions and no experimental evidence demonstrating its impact on protein function have been reported. ClinVar contains an entry for this variant (Variation ID: 550575). Based on the evidence outlined above, the variant was classified as uncertain significance.

Ambry Genetics
Classification: Likely benign for Cardiovascular phenotype. Last evaluated: 2025-03-26. Review status: criteria provided, single submitter. Criteria: Ambry Variant Classification Scheme 2023. Collection method: clinical testing. Allele origin: germline.

Blueprint Genetics
Classification: Likely benign. Last evaluated: 2024-01-22. Review status: criteria provided, single submitter. Criteria: ACMG Guidelines, 2015. Collection method: clinical testing. Allele origin: germline.

Labcorp Genetics (formerly Invitae), Labcorp
Classification: Uncertain significance for Alstrom syndrome. Last evaluated: 2022-10-19. Review status: criteria provided, single submitter. Criteria: Invitae Variant Classification Sherloc (09022015). Collection method: clinical testing. Allele origin: germline.
Comment: This sequence change replaces arginine, which is basic and polar, with glutamine, which is neutral and polar, at codon 1418 of the ALMS1 protein (p.Arg1418Gln). The frequency data for this variant in the population databases is considered unreliable, as metrics indicate poor data quality at this position in the gnomAD database. This variant has not been reported in the literature in individuals affected with ALMS1-related conditions. ClinVar contains an entry for this variant (Variation ID: 550575). Experimental studies and prediction algorithms are not available or were not evaluated, and the functional significance of this variant is currently unknown. In summary, the available evidence is currently insufficient to determine the role of this variant in disease. Therefore, it has been classified as a Variant of Uncertain Significance.

Personalized Diabetes Medicine Program, University of Maryland School of Medicine
Classification: Likely benign for Monogenic diabetes. Last evaluated: 2017-01-13. Review status: criteria provided, single submitter. Criteria: ACMG Guidelines, 2015. Collection method: research. Allele origin: unknown. Observed: 1 variant allele, 1 heterozygote.
Comment: ACMG criteria: BP4 (7 predictors), BP1 (misssense when truncating cause ds)=likely benign

Clinical Genomics, Uppaluri K&H Personalized Medicine Clinic
Classification: Uncertain significance for Alstrom syndrome. Review status: criteria provided, single submitter. Criteria: K & H Uppaluri Personalized Medicine Clinic Variant Classification & Assertion Criteria_Updated V.1. Collection method: research. Allele origin: unknown. Inheritance: Autosomal recessive inheritance.
Comment: Potent mutations in ALMS1 are associated with a rare condition called Alstrom syndrome. It can cause excessive eating, insulin resistance. However, no evidence is found to ascertain the role of rs771362238 in Alstrom syndrome yet.

Counsyl
Classification: Uncertain significance for Alstrom syndrome. Last evaluated: 2017-02-01. Review status: no assertion criteria provided. Collection method: clinical testing. Allele origin: unknown. Not counted in ClinVar's aggregate classification.

Literature cited by the submitters: PubMed 34148947 (cited by Clinical Genomics, Uppaluri K&H Personalized Medicine Clinic); PubMed 25846608 (cited by Clinical Genomics, Uppaluri K&H Personalized Medicine Clinic); PubMed 30421101 (cited by Clinical Genomics, Uppaluri K&H Personalized Medicine Clinic); PubMed 33669459 (cited by Clinical Genomics, Uppaluri K&H Personalized Medicine Clinic).